The following is an entry in ClinVar:

ClinVar aggregate classification (germline): Pathogenic (1 of 4 stars; one submission).

Conditions:
Developmental and epileptic encephalopathy, 2 (DEE2). Also called: INFANTILE SPASM SYNDROME, X-LINKED 2; CDKL5 deficiency disorder. Identifiers: Orphanet 1934, Orphanet 3451, Orphanet 505652, MedGen C4750718, MONDO:0010396, OMIM 300672.
Angelman syndrome-like. Identifiers: MedGen CN128785.

Submissions (2):

Labcorp Genetics (formerly Invitae), Labcorp
Classification: Pathogenic for Developmental and epileptic encephalopathy, 2; Angelman syndrome-like. Last evaluated: 2022-03-19. Review status: criteria provided, single submitter. Criteria: Invitae Variant Classification Sherloc (09022015). Collection method: clinical testing. Allele origin: germline.
Comment: For these reasons, this variant has been classified as Pathogenic. This premature translational stop signal has been observed in individual(s) with clinical features of CDKL5-related conditions (PMID: 27779742). In at least one individual the variant was observed to be de novo. This variant is not present in population databases (gnomAD no frequency). This sequence change creates a premature translational stop signal (p.Glu34*) in the CDKL5 gene. It is expected to result in an absent or disrupted protein product. Loss-of-function variants in CDKL5 are known to be pathogenic (PMID: 22872100).

Dr. Peter K. Rogan Lab, Western University
No classification provided (evidence only). Condition: Nonpapillary renal cell carcinoma. Review status: no classification provided. Collection method: in vitro. Allele origin: not applicable. Functional consequence: retained intron. Not counted in ClinVar's aggregate classification.

Literature cited by the submitters: PubMed 27779742 (cited by Labcorp Genetics (formerly Invitae), Labcorp); PubMed 22872100 (cited by Labcorp Genetics (formerly Invitae), Labcorp).

NM_001323289.2(CDKL5):c.100G>T (p.Glu34Ter)

Gene: CDKL5 (cyclin dependent kinase like 5; plus strand). Cytogenetic location: Xp22.13.
Variant type: single nucleotide variant.
Coding change: c.100G>T on transcript NM_001323289.2 (MANE Select); coding-DNA position 100, G replaced by T.
Protein change: p.Glu34Ter; replaces glutamic acid 34 with a stop codon.
Molecular consequence: nonsense.
Genome position (GRCh38, 1-based): chrX:18,564,477, G>T. VCF-style: chrX-18564477-G-T. GRCh37 (hg19) VCF-style: chrX-18582597-G-T.
Other names: c.100G>T, p.Glu34Ter (NM_001037343.2, NM_003159.3); short protein forms E34*.
Identifiers: ClinVar variation 2138478 (VCV002138478.5), dbSNP rs2518834440, ClinGen allele CA412346656.